The following is an entry in ClinVar:

ClinVar aggregate classification (germline): Likely benign (1 of 4 stars; one submission).

Allele frequency attached by ClinVar (database versions not stated): TOPMed 0.00003; gnomAD 0.00007; gnomAD exomes 0.00022; 1000 Genomes Project 30x 0.00031; 1000 Genomes Project 0.00040; ExAC 0.00048.
gnomAD v4.1: 325 of 1,604,974 alleles (0.02%); highest among the groups gnomAD compares: South Asian, 0.31%; 2 homozygotes.

Submission:

CeGaT Center for Human Genetics Tuebingen
Classification: Likely benign. Last evaluated: 2024-05-01. Review status: criteria provided, single submitter. Criteria: CeGaT Center For Human Genetics Tuebingen Variant Classification Criteria Version 2. Collection method: clinical testing. Allele origin: germline. Affected: yes. Observed: 4 variant alleles.
Comment: SLC45A1: BP4, BP7

NM_001080397.3(SLC45A1):c.2241C>T (p.Asn747=)

Gene: SLC45A1 (solute carrier family 45 member 1; plus strand). Cytogenetic location: 1p36.23.
Variant type: single nucleotide variant.
Coding change: c.2241C>T on transcript NM_001080397.3 (MANE Select); coding-DNA position 2241, C replaced by T.
Protein change: p.Asn747=; no amino-acid change (asparagine 747 retained).
Molecular consequence: synonymous variant.
Genome position (GRCh38, 1-based): chr1:8,344,007, C>T. VCF-style: chr1-8344007-C-T. GRCh37 (hg19) VCF-style: chr1-8404067-C-T.
Other names: c.2265C>T, p.Asn755= (NM_001379614.1); c.2172C>T, p.Asn724= (NM_001379615.1); c.2148C>T, p.Asn716= (NM_001379616.1); c.1659C>T, p.Asn553= (NM_001379617.1); c.1635C>T, p.Asn545= (NM_001379618.1).
Identifiers: ClinVar variation 2638157 (VCV002638157.24), dbSNP rs572164279, ClinGen allele CA570654.